The following is an entry in ClinVar:

NM_004006.3(DMD):c.10798-100G>C

Gene: DMD (dystrophin; minus strand). Cytogenetic location: Xp21.2.
Variant type: single nucleotide variant.
Coding change: c.10798-100G>C on transcript NM_004006.3 (MANE Select); 100 bases into the intron before coding-DNA position 10798, G replaced by C.
Molecular consequence: intron variant.
Genome position (GRCh38, 1-based): chrX:31,146,514, C>G on the plus strand (G>C on the coding strand, the complement: DMD is on the minus strand). VCF-style: chrX-31146514-C-G. GRCh37 (hg19) VCF-style: chrX-31164631-C-G.
Other names: c.10774-100G>C (NM_000109.4); c.6775-100G>C (NM_004011.4); c.6766-100G>C (NM_004012.4); c.3088-100G>C (NM_004023.3, NM_004020.4); c.3379-100G>C (NM_004022.3); c.3418-100G>C (NM_004021.3, NM_004013.3); c.2611-100G>C (NM_004014.3); c.1555-100G>C (NM_004018.3, NM_004017.3); and 3 more.
Identifiers: ClinVar variation 675284 (VCV000675284.2), dbSNP rs17340575, ClinGen allele CA328402777.

ClinVar aggregate classification (germline): Benign. Review status: criteria provided, multiple submitters, no conflicts (2 of 4 stars). 2 submissions from 2 submitters: Benign (2). Last evaluated 2018-06-19.

Allele frequency attached by ClinVar (database versions not stated): gnomAD 0.02229; TOPMed 0.03043; 1000 Genomes Project 0.03311; 1000 Genomes Project 30x 0.03455.
gnomAD v4.1: 16,045 of 906,552 alleles (1.8%); highest among the groups gnomAD compares: Admixed American, 18%; 628 homozygotes.

Submissions (2):

GeneDx
Classification: Benign. Last evaluated: 2018-06-19. Review status: criteria provided, single submitter. Criteria: GeneDx Variant Classification (06012015). Collection method: clinical testing. Allele origin: germline. Affected: yes.
Comment: This variant is considered likely benign or benign based on one or more of the following criteria: it is a conservative change, it occurs at a poorly conserved position in the protein, it is predicted to be benign by multiple in silico algorithms, and/or has population frequency not consistent with disease.

Breakthrough Genomics
Classification: Benign. Review status: criteria provided, single submitter. Criteria: ACMG Guidelines, 2015. Collection method: not provided. Allele origin: germline. Inheritance: X-linked inheritance. Affected: yes.